The following is an entry in ClinVar:

ClinVar aggregate classification (germline): Uncertain significance (1 of 4 stars; one submission).

Allele frequency attached by ClinVar (database versions not stated): gnomAD exomes below 0.00001; TOPMed below 0.00001; gnomAD 0.00001.
gnomAD v4.1: 2 of 1,595,910 alleles (0.00013%); highest among the groups gnomAD compares: East Asian, 0.0045%; no homozygotes.

Submission:

Labcorp Genetics (formerly Invitae), Labcorp
Classification: Uncertain significance. Last evaluated: 2022-08-31. Review status: criteria provided, single submitter. Criteria: Invitae Variant Classification Sherloc (09022015). Collection method: clinical testing. Allele origin: germline.
Comment: This variant is not present in population databases (gnomAD no frequency). In summary, the available evidence is currently insufficient to determine the role of this variant in disease. Therefore, it has been classified as a Variant of Uncertain Significance. Algorithms developed to predict the effect of missense changes on protein structure and function are either unavailable or do not agree on the potential impact of this missense change (SIFT: "Deleterious"; PolyPhen-2: "Benign"; Align-GVGD: "Class C0"). This variant has not been reported in the literature in individuals affected with BCL11B-related conditions. This sequence change replaces cysteine, which is neutral and slightly polar, with arginine, which is basic and polar, at codon 180 of the BCL11B protein (p.Cys180Arg).

NM_138576.4(BCL11B):c.538T>C (p.Cys180Arg)

Gene: BCL11B (BCL11 transcription factor B; minus strand). Cytogenetic location: 14q32.2.
Variant type: single nucleotide variant.
Coding change: c.538T>C on transcript NM_138576.4 (MANE Select); coding-DNA position 538, T replaced by C.
Protein change: p.Cys180Arg; replaces cysteine 180 with arginine.
Molecular consequence: missense variant. On other transcripts: intron variant (2).
Genome position (GRCh38, 1-based): chr14:99,231,447, A>G on the plus strand (T>C on the coding strand, the complement: BCL11B is on the minus strand). VCF-style: chr14-99231447-A-G. GRCh37 (hg19) VCF-style: chr14-99697784-A-G.
Other names: c.535T>C, p.Cys179Arg (NM_001282237.2); c.424+26024T>C (NM_001282238.2); c.427+26024T>C (NM_022898.3); short protein forms C179R, C180R.
Identifiers: ClinVar variation 1718516 (VCV001718516.5), dbSNP rs1198860902, ClinGen allele CA390937325.